The following is an entry in ClinVar:

NM_000551.4(VHL):c.382C>G (p.Leu128Val)

Genes: VHL (von Hippel-Lindau tumor suppressor; plus strand), LOC107303340 (3p25 von Hippel-Lindau tumor suppressor, E3 ubiquitin protein ligase Alu-mediated recombination region; plus strand). Cytogenetic location: 3p25.3.
Variant type: single nucleotide variant.
Coding change: c.382C>G on transcript NM_000551.4 (MANE Select); coding-DNA position 382, C replaced by G.
Protein change: p.Leu128Val; replaces leucine 128 with valine.
Molecular consequence: missense variant. On other transcripts: non-coding transcript variant (1), intron variant (2).
Genome position (GRCh38, 1-based): chr3:10,146,555, C>G. VCF-style: chr3-10146555-C-G. GRCh37 (hg19) VCF-style: chr3-10188239-C-G.
Other names: c.*18-3232C>G (NM_001354723.2); c.341-3232C>G (NM_198156.3); short protein forms L128V.
Identifiers: ClinVar variation 4866417 (VCV004866417.1).

ClinVar aggregate classification (germline): Uncertain significance (1 of 4 stars; one submission).

Conditions:
Hereditary cancer-predisposing syndrome. Also called: Neoplastic Syndromes, Hereditary; Tumor predisposition; Hereditary Cancer Syndrome; Hereditary neoplastic syndrome. Identifiers: Orphanet 140162, MedGen C0027672, MeSH D009386, MONDO:0015356.

Submission:

Ambry Genetics
Classification: Uncertain significance for Hereditary cancer-predisposing syndrome. Last evaluated: 2026-03-26. Review status: criteria provided, single submitter. Criteria: Ambry Variant Classification Scheme 2023. Collection method: clinical testing. Allele origin: germline.
Comment: The p.L128V variant (also known as c.382C>G), located in coding exon 2 of the VHL gene, results from a C to G substitution at nucleotide position 382. The leucine at codon 128 is replaced by valine, an amino acid with highly similar properties. This variant was determined to be functionally neutral in one saturation genome editing assay (Buckley M et al. Nat Genet, 2024 Jul;56:1446-1455). This amino acid position is highly conserved in available vertebrate species. In addition, this alteration is predicted to be deleterious by in silico analysis. Based on the available evidence, the clinical significance of this variant remains unclear.

Literature cited by the submitters: PubMed 38969834.